The following is an entry in ClinVar:

ClinVar aggregate classification (germline): Uncertain significance. Review status: criteria provided, multiple submitters, no conflicts (2 of 4 stars). 2 submissions from 2 submitters: Uncertain significance (2). Last evaluated 2025-12-03.

Conditions:
Symmetrical dyschromatosis of extremities (DSH). Also called: DYSCHROMATOSIS SYMMETRICA HEREDITARIA 1; Dyschromatosis symmetrica hereditaria; RETICULATE ACROPIGMENTATION OF DOHI; SYMMETRIC DYSCHROMATOSIS OF THE EXTREMITIES. Identifiers: Orphanet 41, MedGen C0406775, MONDO:0007483, OMIM 127400.
Aicardi-Goutieres syndrome 6 (AGS6). Identifiers: Orphanet 51, MedGen C3539013, MONDO:0014007, OMIM 615010.

Submissions (2):

Women's Health and Genetics/Laboratory Corporation of America, LabCorp
Classification: Uncertain significance. Last evaluated: 2025-12-03. Review status: criteria provided, single submitter. Criteria: LabCorp Variant Classification Summary - May 2015. Collection method: clinical testing. Allele origin: germline.
Comment: Variant summary: ADAR c.503C>T (p.Pro168Leu) results in a non-conservative amino acid change in the encoded protein sequence. Algorithms developed to predict the effect of missense changes on protein structure and function are either unavailable or do not agree on the potential impact of this missense change. The variant was absent in 251416 control chromosomes. The available data on variant occurrences in the general population are insufficient to allow any conclusion about variant significance. c.503C>T has been observed in two individuals affected with dyschromatosis symmetrica hereditaria, without strong evidence of causality (example: Zhu_2024). These reports do not provide unequivocal conclusions about association of the variant with ADAR-related disorders. To our knowledge, no experimental evidence demonstrating an impact on protein function has been reported. The following publication has been ascertained in the context of this evaluation (PMID: 39469661). ClinVar contains an entry for this variant (Variation ID: 1927308). Based on the evidence outlined above, the variant was classified as uncertain significance.

Labcorp Genetics (formerly Invitae), Labcorp
Classification: Uncertain significance for Aicardi-Goutieres syndrome 6; Symmetrical dyschromatosis of extremities. Last evaluated: 2024-01-22. Review status: criteria provided, single submitter. Criteria: Invitae Variant Classification Sherloc (09022015). Collection method: clinical testing. Allele origin: germline.
Comment: This sequence change replaces proline, which is neutral and non-polar, with leucine, which is neutral and non-polar, at codon 168 of the ADAR protein (p.Pro168Leu). This variant is not present in population databases (gnomAD no frequency). This variant has not been reported in the literature in individuals affected with ADAR-related conditions. ClinVar contains an entry for this variant (Variation ID: 1927308). An algorithm developed to predict the effect of missense changes on protein structure and function (PolyPhen-2) suggests that this variant is likely to be disruptive. In summary, the available evidence is currently insufficient to determine the role of this variant in disease. Therefore, it has been classified as a Variant of Uncertain Significance.

Literature cited by the submitters: PubMed 39469661 (cited by Women's Health and Genetics/Laboratory Corporation of America, LabCorp).

NM_001111.5(ADAR):c.503C>T (p.Pro168Leu)

Gene: ADAR (adenosine deaminase RNA specific; minus strand). Cytogenetic location: 1q21.3.
Variant type: single nucleotide variant.
Coding change: c.503C>T on transcript NM_001111.5 (MANE Select); coding-DNA position 503, C replaced by T.
Protein change: p.Pro168Leu; replaces proline 168 with leucine.
Molecular consequence: missense variant. On other transcripts: 5 prime UTR variant (6).
Genome position (GRCh38, 1-based): chr1:154,602,139, G>A on the plus strand (C>T on the coding strand, the complement: ADAR is on the minus strand). VCF-style: chr1-154602139-G-A. GRCh37 (hg19) VCF-style: chr1-154574615-G-A.
Other names: c.-383C>T (NM_001025107.3, NM_001193495.2, NM_001365046.1 and 3 more transcripts); c.530C>T, p.Pro177Leu (NM_001365045.1); c.503C>T, p.Pro168Leu (NM_015840.4, NM_015841.4); short protein forms P168L, P177L.
Identifiers: ClinVar variation 1927308 (VCV001927308.6), dbSNP rs1697923087, ClinGen allele CA342601871.
Genomic context (GRCh38, chr1:154,602,139, plus strand): 5'-TCTTTCTGTAGCTTGCCCTTCTTTGCCAGGGAGTATAAAACTCGATTGATTTCTTTCTTC[G>A]GAGTCCCAAGTTTCCCAGACAGATCATGTGCTGTGGTGGCCTTCCCTTCCCCAAGCTCTT-3'
Protein context (NP_001102.3, residues 158-178): AHDLSGKLGT[Pro168Leu]KKEINRVLYS